The following is an entry in ClinVar:

ClinVar aggregate classification (germline): Conflicting classifications of pathogenicity. Review status: criteria provided, conflicting classifications (1 of 4 stars). 2 submissions from 2 submitters: Uncertain significance (1); Likely benign (1). Last evaluated 2025-05-23.

Conditions:
Inborn genetic diseases. Identifiers: MedGen C0950123, MeSH D030342.

Submissions (2):

Ambry Genetics
Classification: Likely benign for Inborn genetic diseases. Last evaluated: 2025-05-23. Review status: criteria provided, single submitter. Criteria: Ambry Variant Classification Scheme 2023. Collection method: clinical testing. Allele origin: germline.

Labcorp Genetics (formerly Invitae), Labcorp
Classification: Uncertain significance. Last evaluated: 2023-03-11. Review status: criteria provided, single submitter. Criteria: Invitae Variant Classification Sherloc (09022015). Collection method: clinical testing. Allele origin: germline.
Comment: In summary, the available evidence is currently insufficient to determine the role of this variant in disease. Therefore, it has been classified as a Variant of Uncertain Significance. Advanced modeling of protein sequence and biophysical properties (such as structural, functional, and spatial information, amino acid conservation, physicochemical variation, residue mobility, and thermodynamic stability) performed at Invitae indicates that this missense variant is not expected to disrupt SAMD9L protein function. This variant has not been reported in the literature in individuals affected with SAMD9L-related conditions. This variant is not present in population databases (gnomAD no frequency). This sequence change replaces aspartic acid, which is acidic and polar, with alanine, which is neutral and non-polar, at codon 708 of the SAMD9L protein (p.Asp708Ala).

NM_152703.5(SAMD9L):c.2123A>C (p.Asp708Ala)

Gene: SAMD9L (sterile alpha motif domain containing 9 like; minus strand). Cytogenetic location: 7q21.2.
Variant type: single nucleotide variant.
Coding change: c.2123A>C on transcript NM_152703.5 (MANE Select); coding-DNA position 2123, A replaced by C.
Protein change: p.Asp708Ala; replaces aspartic acid 708 with alanine.
Molecular consequence: missense variant.
Genome position (GRCh38, 1-based): chr7:93,133,849, T>G on the plus strand (A>C on the coding strand, the complement: SAMD9L is on the minus strand). VCF-style: chr7-93133849-T-G. GRCh37 (hg19) VCF-style: chr7-92763162-T-G.
Other names: c.2123A>C (NM_152703.2); c.2123A>C, p.Asp708Ala (NM_001303496.3, NM_001303497.3, NM_001303498.3 and 5 more transcripts); short protein forms D708A.
Identifiers: ClinVar variation 2836500 (VCV002836500.4), dbSNP rs2535422664, ClinGen allele CA368192768.